The following is an entry in ClinVar:

ClinVar aggregate classification (germline): Conflicting classifications of pathogenicity. Review status: criteria provided, conflicting classifications (1 of 4 stars). 2 submissions from 2 submitters: Likely pathogenic (1); Uncertain significance (1). Last evaluated 2025-07-03.

Conditions:
Inborn genetic diseases. Identifiers: MedGen C0950123, MeSH D030342.
Autosomal recessive Alport syndrome (ATS2). Also called: COL4A4 Alport Syndrome and Thin Basement Membrane Nephropathy; ALPORT SYNDROME 2, AUTOSOMAL RECESSIVE; Alport syndrome type 2; COL4A3-Related Nephropathy. Identifiers: Orphanet 63, Orphanet 88919, MedGen C4746745, MONDO:0008762, OMIM 203780.

Submissions (2):

MVZ Medizinische Genetik Mainz
Classification: Likely pathogenic for Autosomal recessive Alport syndrome. Last evaluated: 2025-07-03. Review status: criteria provided, single submitter. Criteria: UK Practice Guidelines For Variant Classification V4 01 2020. Collection method: clinical testing. Allele origin: germline. Inheritance: Autosomal recessive inheritance. Affected: yes. Observed: 1 variant allele.
Comment: ACMG Criteria: PM1_STR,PM2_SUP,PP3,PP4

Ambry Genetics
Classification: Uncertain significance for Inborn genetic diseases. Last evaluated: 2018-05-23. Review status: criteria provided, single submitter. Criteria: Ambry exome assertion method (8-5-2015). Collection method: clinical testing. Allele origin: germline. Affected: yes. Observed: 1 variant allele.

NM_000092.5(COL4A4):c.2192G>T (p.Gly731Val)

Gene: COL4A4 (collagen type IV alpha 4 chain; minus strand). Cytogenetic location: 2q36.3.
Variant type: single nucleotide variant.
Coding change: c.2192G>T on transcript NM_000092.5 (MANE Select); coding-DNA position 2192, G replaced by T.
Protein change: p.Gly731Val; replaces glycine 731 with valine.
Molecular consequence: missense variant.
Genome position (GRCh38, 1-based): chr2:227,059,596, C>A on the plus strand (G>T on the coding strand, the complement: COL4A4 is on the minus strand). VCF-style: chr2-227059596-C-A. GRCh37 (hg19) VCF-style: chr2-227924312-C-A.
Other names: short protein forms G731V.
Identifiers: ClinVar variation 986068 (VCV000986068.4), dbSNP rs1976367934, ClinGen allele CA350842186.
Genomic context (GRCh38, chr2:227,059,596, plus strand): 5'-CCTGGTGAGCCGGGAGGGCCTGGGGGCCCAACAGGGGAGGACCCCTTTTCACCTCCAAAA[C>A]CCGGATCTCCCATGTCACCACGAAAACCTATTTAACAACAAAAAAAAATTTTTAATGATA-3'
Protein context (NP_000083.3, residues 721-741): PGFRGDMGDP[Gly731Val]FGGEKGSSPV